The following is an entry in ClinVar:

NM_006939.4(SOS2):c.3830T>C (p.Leu1277Pro)

Gene: SOS2 (SOS Ras/Rho guanine nucleotide exchange factor 2; minus strand). Cytogenetic location: 14q21.3.
Variant type: single nucleotide variant.
Coding change: c.3830T>C on transcript NM_006939.4 (MANE Select); coding-DNA position 3830, T replaced by C.
Protein change: p.Leu1277Pro; replaces leucine 1277 with proline.
Molecular consequence: missense variant.
Genome position (GRCh38, 1-based): chr14:50,118,513, A>G on the plus strand (T>C on the coding strand, the complement: SOS2 is on the minus strand). VCF-style: chr14-50118513-A-G. GRCh37 (hg19) VCF-style: chr14-50585231-A-G.
Other names: short protein forms L1277P.
Identifiers: ClinVar variation 475757 (VCV000475757.31), dbSNP rs146802994, ClinGen allele CA7176695.
Genomic context (GRCh38, chr14:50,118,513, plus strand): 5'-TTCTGCCTTGGTGGAACAGGGGGAGCTGGAGGATGAGCAAGATTATTCTGACTAGAACTG[A>G]GCACATAGCATCGACGCGGTACCCTTGGAGAGGGTGTGCTAGGAGGAGTGCTTGGCGAAT-3'
Protein context (NP_008870.2, residues 1267-1287): SPRVPRRCYV[Leu1277Pro]SSSQNNLAHP

ClinVar aggregate classification (germline): Benign/Likely benign. Review status: criteria provided, multiple submitters, no conflicts (2 of 4 stars). 10 submissions from 10 submitters: Benign (4); Likely benign (5). 1 of the submissions does not count toward it. Last evaluated 2026-03-01.

Conditions:
Cardiovascular phenotype. Identifiers: MedGen CN230736.
SOS2-related disorder. Also called: SOS2-related condition.
Noonan syndrome 9 (NS9). Identifiers: Orphanet 648, MedGen C4225282, MONDO:0014691, OMIM 616559.

Allele frequency attached by ClinVar (database versions not stated): TOPMed 0.00009; ESP Exome Variant Server 0.00015; gnomAD exomes 0.00020 and 0.00031; gnomAD 0.00037 and 0.00041; ExAC 0.00045.
gnomAD v4.1: 344 of 1,614,032 alleles (0.021%); highest among the groups gnomAD compares: Non-Finnish European, 0.022%; 1 homozygote.

Submissions (10):

CeGaT Center for Human Genetics Tuebingen
Classification: Likely benign. Last evaluated: 2026-03-01. Review status: criteria provided, single submitter. Criteria: CeGaT Center For Human Genetics Tuebingen Variant Classification Criteria Version 2. Collection method: clinical testing. Allele origin: germline. Affected: yes. Observed: 2 variant alleles.
Comment: SOS2: BS2

Labcorp Genetics (formerly Invitae), Labcorp
Classification: Likely benign for Noonan syndrome 9. Last evaluated: 2026-02-01. Review status: criteria provided, single submitter. Criteria: Invitae Variant Classification Sherloc (09022015). Collection method: clinical testing. Allele origin: germline.

Laboratory of Genetics, Children's Clinical University Hospital Latvia
Classification: Benign. Last evaluated: 2025-02-16. Review status: criteria provided, single submitter. Criteria: ACMG Guidelines, 2015. Collection method: clinical testing. Allele origin: germline. Affected: yes.

Blueprint Genetics
Classification: Likely benign. Last evaluated: 2024-09-17. Review status: criteria provided, single submitter. Criteria: ACMG Guidelines, 2015. Collection method: clinical testing. Allele origin: germline.

Women's Health and Genetics/Laboratory Corporation of America, LabCorp
Classification: Benign. Last evaluated: 2022-09-12. Review status: criteria provided, single submitter. Criteria: LabCorp Variant Classification Summary - May 2015. Collection method: clinical testing. Allele origin: germline.
Comment: Variant summary: SOS2 c.3830T>C (p.Leu1277Pro) results in a non-conservative amino acid change in the encoded protein sequence. Three of five in-silico tools predict a benign effect of the variant on protein function. The variant allele was found at a frequency of 0.00031 in 251482 control chromosomes. The observed variant frequency is approximately 126 fold of the estimated maximal expected allele frequency for a pathogenic variant in SOS2 causing Noonan Syndrome phenotype (2.5e-06), strongly suggesting that the variant is benign. To our knowledge, no occurrence of c.3830T>C in individuals affected with Noonan Syndrome and no experimental evidence demonstrating its impact on protein function have been reported. Two clinical diagnostic laboratories have submitted clinical-significance assessments for this variant to ClinVar after 2014 without evidence for independent evaluation. All laboratories classified the variant as benign/likely benign. Based on the evidence outlined above, the variant was classified as benign.

Department of Pathology and Laboratory Medicine, Sinai Health System
Classification: Likely benign for Noonan syndrome 9. Last evaluated: 2022-07-11. Review status: criteria provided, single submitter. Criteria: ACMG Guidelines, 2015. Collection method: research. Allele origin: germline.

Ambry Genetics
Classification: Likely benign for Cardiovascular phenotype. Last evaluated: 2021-12-23. Review status: criteria provided, single submitter. Criteria: Ambry Variant Classification Scheme 2023. Collection method: clinical testing. Allele origin: germline.

GeneDx
Classification: Benign. Last evaluated: 2021-04-02. Review status: criteria provided, single submitter. Criteria: GeneDx Variant Classification Process June 2021. Collection method: clinical testing. Allele origin: germline. Affected: yes.

Genome-Nilou Lab
Classification: Benign for Noonan syndrome 9. Review status: criteria provided, single submitter. Criteria: ACMG Guidelines, 2015. Collection method: clinical testing. Allele origin: germline.

PreventionGenetics, part of Exact Sciences
Classification: Likely benign for SOS2-related condition. Last evaluated: 2019-10-31. Review status: no assertion criteria provided. Collection method: clinical testing. Allele origin: germline. Not counted in ClinVar's aggregate classification.
Comment: This variant is classified as likely benign based on ACMG/AMP sequence variant interpretation guidelines (Richards et al. 2015 PMID: 25741868, with internal and published modifications).